The following is an entry in ClinVar:

NM_000179.3(MSH6):c.4002_4023dup (p.Arg1342delinsGlySerLeuProGlyTer)

Gene: MSH6 (mutS homolog 6; plus strand). Cytogenetic location: 2p16.3.
Variant type: Duplication.
Coding change: c.4002_4023dup on transcript NM_000179.3 (MANE Select); coding-DNA positions 4002 to 4023, 22 bases duplicated (GGAAGTTTGCCTGGCTAGTGAA).
Protein change: p.Arg1342delinsGlySerLeuProGlyTer.
Molecular consequence: nonsense.
Genome position (GRCh38, 1-based): chr2:47,806,779-47,806,800, GGAAGTTTGCCTGGCTAGTGAA duplicated. VCF-style (leftmost placement, unchanged base first): chr2-47806778-G-GGGAAGTTTGCCTGGCTAGTGAA. GRCh37 (hg19) VCF-style: chr2-48033917-G-GGGAAGTTTGCCTGGCTAGTGAA.
Other names: c.3612_3633dup, p.Arg1212delinsGlySerLeuProGlyTer (NM_001281492.2); c.3096_3117dup, p.Arg1040delinsGlySerLeuProGlyTer (NM_001281493.2, NM_001281494.2); c.4002_4023dup (NM_000179.2).
Identifiers: ClinVar variation 1506146 (VCV001506146.7), dbSNP rs2104578677, ClinGen allele CA2573134808.
Genomic context (GRCh38, chr2:47,806,778, plus strand): 5'-GAAGGGATGATGCACTATGAAAAAACAAAAAAACTTTTTTTTTTTTTTTTTTAATTTTAA[G>GGGAAGTTTGCCTGGCTAGTGAA]GGAAGTTTGCCTGGCTAGTGAAAGGTCAACTGTAGATGCTGAAGCTGTCCATAAATTGCT-3'

ClinVar aggregate classification (germline): Uncertain significance. Review status: criteria provided, multiple submitters, no conflicts (2 of 4 stars). 2 submissions from 2 submitters: Uncertain significance (2). Last evaluated 2023-02-16.

Conditions:
Hereditary nonpolyposis colorectal neoplasms. Identifiers: MedGen C0009405, MeSH D003123.

Submissions (2):

GeneDx
Classification: Uncertain significance. Last evaluated: 2023-02-16. Review status: criteria provided, single submitter. Criteria: GeneDx Variant Classification Process June 2021. Collection method: clinical testing. Allele origin: germline. Affected: yes.
Comment: Frameshift variant predicted to result in protein truncation as the last 19 amino acids are replaced with 5 different amino acids; Not observed at significant frequency in large population cohorts (gnomAD); Has not been previously published as pathogenic or benign to our knowledge; This variant is associated with the following publications: (PMID: 17531815, 21120944, 12019211)

Labcorp Genetics (formerly Invitae), Labcorp
Classification: Uncertain significance for Hereditary nonpolyposis colorectal neoplasms. Last evaluated: 2021-06-09. Review status: criteria provided, single submitter. Criteria: Invitae Variant Classification Sherloc (09022015). Collection method: clinical testing. Allele origin: germline.
Comment: This sequence change results in a premature translational stop signal in the MSH6 gene (p.Arg1342Glyfs*6). While this is not anticipated to result in nonsense mediated decay, it is expected to disrupt the last 19 amino acids of the MSH6 protein. This variant is not present in population databases (ExAC no frequency). This variant has not been reported in the literature in individuals with MSH6-related conditions. Experimental studies and prediction algorithms are not available for this variant, and the functional significance of the affected amino acid(s) is currently unknown. In summary, the available evidence is currently insufficient to determine the role of this variant in disease. Therefore, it has been classified as a Variant of Uncertain Significance.